The following is an entry in ClinVar:

ClinVar aggregate classification (germline): Uncertain significance (1 of 4 stars; one submission).

Submission:

Labcorp Genetics (formerly Invitae), Labcorp
Classification: Uncertain significance. Last evaluated: 2021-05-05. Review status: criteria provided, single submitter. Criteria: Invitae Variant Classification Sherloc (09022015). Collection method: clinical testing. Allele origin: germline.
Comment: In summary, the available evidence is currently insufficient to determine the role of this variant in disease. Therefore, it has been classified as a Variant of Uncertain Significance. Experimental studies and prediction algorithms are not available or were not evaluated, and the functional significance of this variant is currently unknown. This variant has not been reported in the literature in individuals with MYH7B-related conditions. This variant is not present in population databases (ExAC no frequency). This variant, c.3894_3896dup, results in the insertion of 1 amino acid(s) to the MYH7B protein (p.Arg1299dup), but otherwise preserves the integrity of the reading frame.

NM_020884.7(MYH7B):c.3768_3770dup (p.Arg1257dup)

Gene: MYH7B (myosin heavy chain 7B; plus strand). Cytogenetic location: 20q11.22.
Variant type: Duplication.
Coding change: c.3768_3770dup on transcript NM_020884.7 (MANE Select); coding-DNA positions 3768 to 3770, 3 bases duplicated (CCG; older notation c.3768_3770dupCCG).
Protein change: p.Arg1257dup; duplicates arginine 1257.
Molecular consequence: inframe insertion.
Genome position (GRCh38, 1-based): chr20:34,998,315-34,998,317, CCG duplicated; duplicating any 3 consecutive bases within chr20:34,998,314-34,998,317 gives the same sequence; the c. name uses the placement nearest the transcript's 3' end. VCF-style (leftmost placement, unchanged base first): chr20-34998313-T-TGCC. GRCh37 (hg19) VCF-style: chr20-33586116-T-TGCC.
Identifiers: ClinVar variation 1440694 (VCV001440694.9), dbSNP rs2147235728, ClinGen allele CA2573157054.